The following is an entry in ClinVar:

ClinVar aggregate classification (germline): Uncertain significance (1 of 4 stars; one submission).

Conditions:
Inborn genetic diseases. Identifiers: MedGen C0950123, MeSH D030342.

Allele frequency attached by ClinVar (database versions not stated): gnomAD exomes below 0.00001; ExAC 0.00001; gnomAD 0.00001; TOPMed 0.00002; ESP Exome Variant Server 0.00008.
gnomAD v4.1: 5 of 1,598,220 alleles (0.00031%); highest among the groups gnomAD compares: African/African-American, 0.0054%; no homozygotes.

Submission:

Ambry Genetics
Classification: Uncertain significance for Inborn genetic diseases. Last evaluated: 2024-05-31. Review status: criteria provided, single submitter. Criteria: Ambry Variant Classification Scheme 2023. Collection method: clinical testing. Allele origin: germline.
Comment: The p.L133I variant (also known as c.397C>A), located in coding exon 4 of the ATR gene, results from a C to A substitution at nucleotide position 397. The leucine at codon 133 is replaced by isoleucine, an amino acid with highly similar properties. This amino acid position is conserved. In addition, the in silico prediction for this alteration is inconclusive. Since supporting evidence is limited at this time, the clinical significance of this alteration remains unclear.

NM_001184.4(ATR):c.397C>A (p.Leu133Ile)

Gene: ATR (ATR checkpoint kinase; minus strand). Cytogenetic location: 3q23.
Variant type: single nucleotide variant.
Coding change: c.397C>A on transcript NM_001184.4 (MANE Select); coding-DNA position 397, C replaced by A.
Protein change: p.Leu133Ile; replaces leucine 133 with isoleucine.
Molecular consequence: missense variant.
Genome position (GRCh38, 1-based): chr3:142,563,005, G>T on the plus strand (C>A on the coding strand, the complement: ATR is on the minus strand). VCF-style: chr3-142563005-G-T. GRCh37 (hg19) VCF-style: chr3-142281847-G-T.
Other names: c.397C>A, p.Leu133Ile (NM_001354579.2); short protein forms L133I.
Identifiers: ClinVar variation 1736679 (VCV001736679.3), dbSNP rs146413649, ClinGen allele CA2650771.
Genomic context (GRCh38, chr3:142,563,005, plus strand): 5'-AAAGTTGTAATAATTCTTTTGTGAGTACCCCAAAAATAGCAGGACTCTTGCTTTTAAAAA[G>T]AAATAATAATGAACAGATGACTTCACAGATTTTCTTGTGTAACAAATGACAGGAGGGAGT-3'
Protein context (NP_001175.2, residues 123-143): ICEVICSLLF[Leu133Ile]FKSKSPAIFG